The following is an entry in ClinVar:

ClinVar aggregate classification (germline): Uncertain significance (1 of 4 stars; one submission).

Submission:

Labcorp Genetics (formerly Invitae), Labcorp
Classification: Uncertain significance. Last evaluated: 2024-09-27. Review status: criteria provided, single submitter. Criteria: Invitae Variant Classification Sherloc (09022015). Collection method: clinical testing. Allele origin: germline.
Comment: This sequence change replaces serine, which is neutral and polar, with cysteine, which is neutral and slightly polar, at codon 1449 of the PHIP protein (p.Ser1449Cys). This variant is not present in population databases (gnomAD no frequency). This variant has not been reported in the literature in individuals affected with PHIP-related conditions. Invitae Evidence Modeling of protein sequence and biophysical properties (such as structural, functional, and spatial information, amino acid conservation, physicochemical variation, residue mobility, and thermodynamic stability) has been performed for this missense variant. However, the output from this modeling did not meet the statistical confidence thresholds required to predict the impact of this variant on PHIP protein function. In summary, the available evidence is currently insufficient to determine the role of this variant in disease. Therefore, it has been classified as a Variant of Uncertain Significance.

NM_017934.7(PHIP):c.4346C>G (p.Ser1449Cys)

Genes: IRAK1BP1 (interleukin 1 receptor associated kinase 1 binding protein 1; plus strand), PHIP (PHIP subunit of CUL4-Ring ligase complex; minus strand). Cytogenetic location: 6q14.1.
Variant type: single nucleotide variant.
Coding change: c.4346C>G on transcript NM_017934.7 (MANE Select); coding-DNA position 4346, C replaced by G.
Protein change: p.Ser1449Cys; replaces serine 1449 with cysteine.
Molecular consequence: missense variant.
Genome position (GRCh38, 1-based): chr6:78,946,735, G>C on the plus strand (C>G on the coding strand, the complement: PHIP is on the minus strand). VCF-style: chr6-78946735-G-C. GRCh37 (hg19) VCF-style: chr6-79656452-G-C.
Other names: short protein forms S1449C.
Identifiers: ClinVar variation 3720150 (VCV003720150.2).
Genomic context (GRCh38, chr6:78,946,735, plus strand): 5'-TAGATCAGCTAGTGGTATTTAAAAGAAATTAAATACCTTGATGCAGCACTACTGGAAACA[G>C]AGCTGCTTCTGTTTCTTTTCTTCCTCCTTTTGGTTATGGTATTTCTTTTATGAAAACGAA-3'
Protein context (NP_060404.4, residues 1439-1459): KRRKKRNRSS[Ser1449Cys]VSSSAASSPE